The following is an entry in ClinVar:

ClinVar aggregate classification (germline): Likely benign (0 of 4 stars; one submission).

Conditions:
COL6A3-related disorder. Also called: COL6A3-related condition; COL6A3-related disorders.

Allele frequency attached by ClinVar (database versions not stated): TOPMed 0.00002; gnomAD 0.00014; 1000 Genomes Project 0.00020; gnomAD exomes 0.00027; 1000 Genomes Project 30x 0.00062; ExAC 0.00066.
gnomAD v4.1: 416 of 1,611,566 alleles (0.026%); highest among the groups gnomAD compares: South Asian, 0.44%; 4 homozygotes.

Submission:

PreventionGenetics, part of Exact Sciences
Classification: Likely benign for COL6A3-related condition. Last evaluated: 2021-10-06. Review status: no assertion criteria provided. Collection method: clinical testing. Allele origin: germline.
Comment: This variant is classified as likely benign based on ACMG/AMP sequence variant interpretation guidelines (Richards et al. 2015 PMID: 25741868, with internal and published modifications).

NM_004369.4(COL6A3):c.6879+29C>T

Gene: COL6A3 (collagen type VI alpha 3 chain; minus strand). Cytogenetic location: 2q37.3.
Variant type: single nucleotide variant.
Coding change: c.6879+29C>T on transcript NM_004369.4 (MANE Select); 29 bases into the intron after coding-DNA position 6879, C replaced by T.
Molecular consequence: intron variant.
Genome position (GRCh38, 1-based): chr2:237,350,118, G>A on the plus strand (C>T on the coding strand, the complement: COL6A3 is on the minus strand). VCF-style: chr2-237350118-G-A. GRCh37 (hg19) VCF-style: chr2-238258761-G-A.
Other names: c.5058+29C>T (NM_057166.5); c.6261+29C>T (NM_057167.4).
Identifiers: ClinVar variation 3040574 (VCV003040574.2), dbSNP rs547571621, ClinGen allele CA2188049.
Genomic context (GRCh38, chr2:237,350,118, plus strand): 5'-TCATCTTTATTTGGAACCCTCTCCTGGCTTCCTGCACCTTCCAGCAAAGAGTCAGCGACA[G>A]CCTGACCCCAAGCGCGCTGTGACCTTACCGTCTCCCCACGAGGGCCCCGGTTCCCGATTC-3'